The following is an entry in ClinVar:

NM_001267550.2(TTN):c.94788del (p.Ser31597fs)

Genes: TTN (titin; minus strand), TTN-AS1 (TTN antisense RNA 1; plus strand). Cytogenetic location: 2q31.2.
Variant type: Deletion.
Coding change: c.94788del on transcript NM_001267550.2 (MANE Select); coding-DNA position 94788, one base deleted (G; older notation c.94788delG).
Protein change: p.Ser31597fs; shifts the reading frame from serine 31597.
Molecular consequence: frameshift variant.
Genome position (GRCh38, 1-based): chr2:178,546,640, C deleted on the plus strand (G on the coding strand, the reverse complement: TTN is on the minus strand); the first of 3 consecutive C bases (chr2:178,546,640-178,546,642); deleting any one gives the same sequence. VCF-style (leftmost placement, unchanged base first): chr2-178546639-AC-A. GRCh37 (hg19) VCF-style: chr2-179411366-AC-A.
Other names: c.89865del, p.Ser29956fs (NM_001256850.1); c.67593del, p.Ser22532fs (NM_003319.4); c.87084del, p.Ser29029fs (NM_133378.4); c.67968del, p.Ser22657fs (NM_133432.3); c.68169del, p.Ser22724fs (NM_133437.4); short protein forms S22724fs, S29029fs, S31597fs, S22657fs, S29956fs, S22532fs.
Identifiers: ClinVar variation 2076239 (VCV002076239.4), dbSNP rs2469061573, ClinGen allele CA2580064792.

ClinVar aggregate classification (germline): Likely pathogenic (1 of 4 stars; one submission).

Conditions:
Dilated cardiomyopathy 1G (CMD1G). Identifiers: Orphanet 154, MedGen C1858763, MONDO:0011400, OMIM 604145.
Autosomal recessive limb-girdle muscular dystrophy type 2J (LGMDR10). Also called: Limb-girdle muscular dystrophy, type 2J; MUSCULAR DYSTROPHY, LIMB-GIRDLE, AUTOSOMAL RECESSIVE 10. Identifiers: Orphanet 140922, MedGen C1837342, MONDO:0012127, OMIM 608807.

Submission:

Labcorp Genetics (formerly Invitae), Labcorp
Classification: Likely pathogenic for Dilated cardiomyopathy 1G; Autosomal recessive limb-girdle muscular dystrophy type 2J. Last evaluated: 2022-02-18. Review status: criteria provided, single submitter. Criteria: Invitae Variant Classification Sherloc (09022015). Collection method: clinical testing. Allele origin: germline.
Comment: In summary, the currently available evidence indicates that the variant is pathogenic, but additional data are needed to prove that conclusively. Therefore, this variant has been classified as Likely Pathogenic. This variant is located in the A band of TTN (PMID: 25589632). Truncating variants in this region are significantly overrepresented in patients affected with dilated cardiomyopathy (PMID: 25589632). Truncating variants in this region have also been reported in individuals affected with autosomal recessive centronuclear myopathy (PMID: 23975875). This sequence change creates a premature translational stop signal (p.Ser31597Leufs*60) in the TTN gene. While this is not anticipated to result in nonsense mediated decay, it is expected to create a truncated TTN protein. This variant is not present in population databases (gnomAD no frequency). This variant has not been reported in the literature in individuals affected with TTN-related conditions. Algorithms developed to predict the effect of sequence changes on RNA splicing suggest that this variant may create or strengthen a splice site.

Literature cited by the submitters: PubMed 25589632; PubMed 23975875.